The following is an entry in ClinVar:

NM_006915.3(RP2):c.*904A>G

Gene: RP2 (RP2 activator of ARL3 GTPase; plus strand). Cytogenetic location: Xp11.3.
Variant type: single nucleotide variant.
Coding change: c.*904A>G on transcript NM_006915.3 (MANE Select); 904 bases downstream of the stop codon, A replaced by G.
Molecular consequence: 3 prime UTR variant.
Genome position (GRCh38, 1-based): chrX:46,880,673, A>G. VCF-style: chrX-46880673-A-G. GRCh37 (hg19) VCF-style: chrX-46740108-A-G.
Identifiers: ClinVar variation 368313 (VCV000368313.5), dbSNP rs144870840, ClinGen allele CA10646150.

ClinVar aggregate classification (germline): Benign (1 of 4 stars; one submission).

Conditions:
Retinitis pigmentosa (RP). Identifiers: Orphanet 791, MedGen C0035334, MeSH D012174, MONDO:0019200, OMIM 268000. Inheritance: Autosomal dominant, autosomal recessive and X linked inheritance.

Allele frequency attached by ClinVar (database versions not stated): gnomAD 0.00052 and 0.00074; TOPMed 0.00111; 1000 Genomes Project 30x 0.00479; 1000 Genomes Project 0.00556.
gnomAD v4.1: 82 of 112,354 alleles (0.073%); highest among the groups gnomAD compares: East Asian, 2.1%; 2 homozygotes.

Submission:

Illumina Laboratory Services, Illumina
Classification: Benign for Retinitis pigmentosa. Last evaluated: 2018-01-13. Review status: criteria provided, single submitter. Criteria: ICSL Variant Classification Criteria 13 December 2019. Collection method: clinical testing. Allele origin: germline.
Comment: This variant was observed in the ICSL laboratory as part of a predisposition screen in an ostensibly healthy population. It had not been previously curated by ICSL or reported in the Human Gene Mutation Database (HGMD: prior to June 1st, 2018), and was therefore a candidate for classification through an automated scoring system. Utilizing variant allele frequency, disease prevalence and penetrance estimates, and inheritance mode, an automated score was calculated to assess if this variant is too frequent to cause the disease. Based on the score and internal cut-off values, a variant classified as benign is not then subjected to further curation. The score for this variant resulted in a classification of benign for this disease.